The following is an entry in ClinVar:

ClinVar aggregate classification (germline): Uncertain significance (1 of 4 stars; one submission).

Conditions:
Primary ciliary dyskinesia. Also called: Ciliary dyskinesia. Identifiers: Orphanet 244, MedGen C0008780, MONDO:0016575, HP:0012265.

gnomAD v4.1: 3 of 1,611,654 alleles (0.00019%); highest among the groups gnomAD compares: East Asian, 0.0067%; no homozygotes.

Submission:

Ambry Genetics
Classification: Uncertain significance for Primary ciliary dyskinesia. Last evaluated: 2025-06-30. Review status: criteria provided, single submitter. Criteria: Ambry Variant Classification Scheme 2023. Collection method: clinical testing. Allele origin: germline.
Comment: The p.V735F variant (also known as c.2203G>T), located in coding exon 3 of the DNAAF2 gene, results from a G to T substitution at nucleotide position 2203. The valine at codon 735 is replaced by phenylalanine, an amino acid with highly similar properties. This amino acid position is conserved. In addition, this alteration is predicted to be tolerated by in silico analysis. Based on the available evidence, the clinical significance of this variant remains unclear.

NM_018139.3(DNAAF2):c.2203G>T (p.Val735Phe)

Gene: DNAAF2 (dynein axonemal assembly factor 2; minus strand). Cytogenetic location: 14q21.3.
Variant type: single nucleotide variant.
Coding change: c.2203G>T on transcript NM_018139.3 (MANE Select); coding-DNA position 2203, G replaced by T.
Protein change: p.Val735Phe; replaces valine 735 with phenylalanine.
Molecular consequence: missense variant. On other transcripts: 5 prime UTR variant (1).
Genome position (GRCh38, 1-based): chr14:49,625,853, C>A on the plus strand (G>T on the coding strand, the complement: DNAAF2 is on the minus strand). VCF-style: chr14-49625853-C-A. GRCh37 (hg19) VCF-style: chr14-50092571-C-A.
Other names: c.2059G>T, p.Val687Phe (NM_001083908.2); c.-9G>T (NM_001378453.1); short protein forms V687F, V735F.
Identifiers: ClinVar variation 3502884 (VCV003502884.2).